The following is an entry in ClinVar:

NM_001267550.2(TTN):c.100653C>A (p.Gly33551=)

Genes: TTN-AS1 (TTN antisense RNA 1; plus strand), TTN (titin; minus strand). Cytogenetic location: 2q31.2.
Variant type: single nucleotide variant.
Coding change: c.100653C>A on transcript NM_001267550.2 (MANE Select); coding-DNA position 100653, C replaced by A.
Protein change: p.Gly33551=; no amino-acid change (glycine 33551 retained).
Molecular consequence: synonymous variant.
Genome position (GRCh38, 1-based): chr2:178,536,094, G>T on the plus strand (C>A on the coding strand, the complement: TTN is on the minus strand). VCF-style: chr2-178536094-G-T. GRCh37 (hg19) VCF-style: chr2-179400821-G-T.
Other names: c.73458C>A, p.Gly24486= (NM_003319.4); c.73833C>A, p.Gly24611= (NM_133432.3); c.74034C>A, p.Gly24678= (NM_133437.4); c.95730C>A, p.Gly31910= (NM_001256850.1); c.92949C>A, p.Gly30983= (NM_133378.4).
Identifiers: ClinVar variation 180068 (VCV000180068.15), dbSNP rs727505326, ClinGen allele CA185743.
Genomic context (GRCh38, chr2:178,536,094, plus strand): 5'-TCTGACTTGGTAAACTGTGGCATCATCATCTGTGACACTTGCAATGATGAGCTGGTGGTA[G>T]CCACCCTTAAATTCTTGAATCCTATATTTTAATCCATCTGCAATGATTTCTTTGCCTTGT-3'
Protein context (NP_001254479.2, residues 33541-33561): LKYRIQEFKG[Gly33551=]YHQLIIASVT

ClinVar aggregate classification (germline): Likely benign. Review status: criteria provided, multiple submitters, no conflicts (2 of 4 stars). 4 submissions from 4 submitters: Likely benign (4). Last evaluated 2025-08-10.

Conditions:
Cardiovascular phenotype. Identifiers: MedGen CN230736.
Dilated cardiomyopathy 1G (CMD1G). Identifiers: Orphanet 154, MedGen C1858763, MONDO:0011400, OMIM 604145.
Autosomal recessive limb-girdle muscular dystrophy type 2J (LGMDR10). Also called: Limb-girdle muscular dystrophy, type 2J; MUSCULAR DYSTROPHY, LIMB-GIRDLE, AUTOSOMAL RECESSIVE 10. Identifiers: Orphanet 140922, MedGen C1837342, MONDO:0012127, OMIM 608807.

Allele frequency attached by ClinVar (database versions not stated): gnomAD 0.00001; gnomAD exomes 0.00001 and 0.00002; TOPMed 0.00001.
gnomAD v4.1: 6 of 1,611,142 alleles (0.00037%); highest among the groups gnomAD compares: Admixed American, 0.005%; no homozygotes.

Submissions (4):

Labcorp Genetics (formerly Invitae), Labcorp
Classification: Likely benign for Dilated cardiomyopathy 1G; Autosomal recessive limb-girdle muscular dystrophy type 2J. Last evaluated: 2025-08-10. Review status: criteria provided, single submitter. Criteria: Invitae Variant Classification Sherloc (09022015). Collection method: clinical testing. Allele origin: germline.

Ambry Genetics
Classification: Likely benign for Cardiovascular phenotype. Last evaluated: 2023-01-19. Review status: criteria provided, single submitter. Criteria: Ambry Variant Classification Scheme 2023. Collection method: clinical testing. Allele origin: germline.

GeneDx
Classification: Likely benign. Last evaluated: 2018-05-22. Review status: criteria provided, single submitter. Criteria: GeneDx Variant Classification (06012015). Collection method: clinical testing. Allele origin: germline. Affected: yes.
Comment: This variant is considered likely benign or benign based on one or more of the following criteria: it is a conservative change, it occurs at a poorly conserved position in the protein, it is predicted to be benign by multiple in silico algorithms, and/or has population frequency not consistent with disease.

Laboratory for Molecular Medicine, Mass General Brigham Personalized Medicine
Classification: Likely benign. Last evaluated: 2014-11-17. Review status: criteria provided, single submitter. Criteria: LMM Criteria. Collection method: clinical testing. Allele origin: germline. Observed: 1 variant allele.
Comment: p.Gly30983Gly in exon 306 of TTN: This variant is not expected to have clinical significance because it does not alter an amino acid residue and is not located within the splice consensus sequence.